The following is an entry in ClinVar:

NM_014975.3(MAST1):c.3464A>G (p.Gln1155Arg)

Gene: MAST1 (microtubule associated serine/threonine kinase 1; plus strand). Cytogenetic location: 19p13.13.
Variant type: single nucleotide variant.
Coding change: c.3464A>G on transcript NM_014975.3 (MANE Select); coding-DNA position 3464, A replaced by G.
Protein change: p.Gln1155Arg; replaces glutamine 1155 with arginine.
Molecular consequence: missense variant.
Genome position (GRCh38, 1-based): chr19:12,873,621, A>G. VCF-style: chr19-12873621-A-G. GRCh37 (hg19) VCF-style: chr19-12984435-A-G.
Other names: short protein forms Q1155R.
Identifiers: ClinVar variation 1704662 (VCV001704662.2), dbSNP rs2512544709, ClinGen allele CA404287658.

ClinVar aggregate classification (germline): Uncertain significance (1 of 4 stars; one submission).

Allele frequency attached by ClinVar (database versions not stated): gnomAD exomes 0.00001.
gnomAD v4.1: 6 of 1,588,148 alleles (0.00038%); highest among the groups gnomAD compares: Non-Finnish European, 0.00051%; no homozygotes.

Submission:

GeneDx
Classification: Uncertain significance. Last evaluated: 2022-03-08. Review status: criteria provided, single submitter. Criteria: GeneDx Variant Classification Process June 2021. Collection method: clinical testing. Allele origin: germline. Affected: yes.
Comment: Not observed at significant frequency in large population cohorts (gnomAD); In silico analysis supports that this missense variant has a deleterious effect on protein structure/function; Has not been previously published as pathogenic or benign to our knowledge